The following is an entry in ClinVar:

ClinVar aggregate classification (germline): Uncertain significance (1 of 4 stars; one submission).

Conditions:
GRHL2-related disorder. Also called: GRHL2-related disorders; GRHL2-related condition.

gnomAD v4.1: 3 of 1,613,706 alleles (0.00019%); highest among the groups gnomAD compares: Non-Finnish European, 0.00025%; no homozygotes.

Submission:

PreventionGenetics, part of Exact Sciences
Classification: Uncertain significance for GRHL2-related condition. Last evaluated: 2025-07-05. Review status: criteria provided, single submitter. Criteria: ACMG Guidelines, 2015. Collection method: clinical testing. Allele origin: germline.
Comment: The GRHL2 c.1304A>G variant is predicted to result in the amino acid substitution p.Lys435Arg. To our knowledge, this variant has not been reported in the literature. This variant is reported in 0.0065% of alleles in individuals of European (Non-Finnish) descent in gnomAD. At this time, the clinical significance of this variant is uncertain due to the absence of conclusive functional and genetic evidence.

NM_024915.4(GRHL2):c.1304A>G (p.Lys435Arg)

Gene: GRHL2 (grainyhead like transcription factor 2; plus strand). Cytogenetic location: 8q22.3.
Variant type: single nucleotide variant.
Coding change: c.1304A>G on transcript NM_024915.4 (MANE Select); coding-DNA position 1304, A replaced by G.
Protein change: p.Lys435Arg; replaces lysine 435 with arginine.
Molecular consequence: missense variant.
Genome position (GRCh38, 1-based): chr8:101,631,683, A>G. VCF-style: chr8-101631683-A-G. GRCh37 (hg19) VCF-style: chr8-102643911-A-G.
Other names: c.1256A>G, p.Lys419Arg (NM_001330593.2, NM_001440448.1); c.1304A>G, p.Lys435Arg (NM_001440447.1); short protein forms K435R, K419R.
Identifiers: ClinVar variation 4988781 (VCV004988781.1).